The following is an entry in ClinVar:

NM_002230.4(JUP):c.468+4T>C

Gene: JUP (junction plakoglobin; minus strand). Cytogenetic location: 17q21.2.
Variant type: single nucleotide variant.
Coding change: c.468+4T>C on transcript NM_002230.4 (MANE Select); 4 bases into the intron after coding-DNA position 468, T replaced by C.
Molecular consequence: intron variant.
Genome position (GRCh38, 1-based): chr17:41,769,414, A>G on the plus strand (T>C on the coding strand, the complement: JUP is on the minus strand). VCF-style: chr17-41769414-A-G. GRCh37 (hg19) VCF-style: chr17-39925666-A-G.
Other names: c.468+4T>C (NM_001352774.2, NM_021991.4, NM_001352776.2 and 4 more transcripts).
Identifiers: ClinVar variation 1439002 (VCV001439002.7), dbSNP rs782412433, ClinGen allele CA8565487.
Genomic context (GRCh38, chr17:41,769,414, plus strand): 5'-CCTGAGGACATCTGCTCTCTCCCCTCCCTGCCCAGCCCCCACCCTAGCAGGGACCCTCAC[A>G]GACCGGGTCCTCGTCGTTGAGCAGTTTGGTGAGCTCGGGCAGGGCGCGAGTGGCCAGCTC-3'

ClinVar aggregate classification (germline): Uncertain significance. Review status: criteria provided, multiple submitters, no conflicts (2 of 4 stars). 2 submissions from 2 submitters: Uncertain significance (2). Last evaluated 2023-08-08.

Conditions:
Cardiovascular phenotype. Identifiers: MedGen CN230736.
Arrhythmogenic right ventricular dysplasia 12. Also called: ARRHYTHMOGENIC RIGHT VENTRICULAR DYSPLASIA, FAMILIAL, 12. Identifiers: MedGen C1969081, MONDO:0012684, OMIM 611528.
Naxos disease (NXD). Also called: KERATOSIS PALMOPLANTARIS WITH ARRHYTHMOGENIC CARDIOMYOPATHY; MAL DE NAXOS; CARDIOMYOPATHY, ARRHYTHMOGENIC RIGHT VENTRICULAR, WITH SKIN, HAIR, AND NAIL ABNORMALITIES; PALMOPLANTAR KERATODERMA WITH ARRHYTHMOGENIC RIGHT VENTRICULAR CARDIOMYOPATHY AND WOOLLY HAIR; WOOLLY HAIR, PALMOPLANTAR KERATODERMA, AND CARDIAC ABNORMALITIES. Identifiers: Orphanet 34217, MedGen C1832600, MONDO:0011017, OMIM 601214.

Allele frequency attached by ClinVar (database versions not stated): TOPMed below 0.00001; ExAC 0.00001; gnomAD exomes 0.00001.

Submissions (2):

Ambry Genetics
Classification: Uncertain significance for Cardiovascular phenotype. Last evaluated: 2023-08-08. Review status: criteria provided, single submitter. Criteria: Ambry Variant Classification Scheme 2023. Collection method: clinical testing. Allele origin: germline.
Comment: The c.468+4T>C intronic variant results from a T to C substitution 4 nucleotides after coding exon 2 in the JUP gene. This nucleotide position is poorly conserved in available vertebrate species. In silico splice site analysis predicts that this alteration will not have any significant effect on splicing. Since supporting evidence is limited at this time, the clinical significance of this alteration remains unclear.

Labcorp Genetics (formerly Invitae), Labcorp
Classification: Uncertain significance for Arrhythmogenic right ventricular dysplasia 12; Naxos disease. Last evaluated: 2022-07-23. Review status: criteria provided, single submitter. Criteria: Invitae Variant Classification Sherloc (09022015). Collection method: clinical testing. Allele origin: germline.
Comment: This sequence change falls in intron 3 of the JUP gene. It does not directly change the encoded amino acid sequence of the JUP protein. It affects a nucleotide within the consensus splice site. The frequency data for this variant in the population databases is considered unreliable, as metrics indicate poor data quality at this position in the gnomAD database. This variant has not been reported in the literature in individuals affected with JUP-related conditions. ClinVar contains an entry for this variant (Variation ID: 1439002). Variants that disrupt the consensus splice site are a relatively common cause of aberrant splicing (PMID: 17576681, 9536098). Algorithms developed to predict the effect of sequence changes on RNA splicing suggest that this variant is not likely to affect RNA splicing. In summary, the available evidence is currently insufficient to determine the role of this variant in disease. Therefore, it has been classified as a Variant of Uncertain Significance.

Literature cited by the submitters: PubMed 17576681 (cited by Labcorp Genetics (formerly Invitae), Labcorp); PubMed 9536098 (cited by Labcorp Genetics (formerly Invitae), Labcorp).